The following is an entry in ClinVar:

ClinVar aggregate classification (germline): Uncertain significance (1 of 4 stars; one submission).

Submission:

Labcorp Genetics (formerly Invitae), Labcorp
Classification: Uncertain significance. Last evaluated: 2023-10-18. Review status: criteria provided, single submitter. Criteria: Invitae Variant Classification Sherloc (09022015). Collection method: clinical testing. Allele origin: germline.
Comment: This sequence change replaces proline, which is neutral and non-polar, with arginine, which is basic and polar, at codon 1019 of the COL4A1 protein (p.Pro1019Arg). This variant is not present in population databases (gnomAD no frequency). This variant has not been reported in the literature in individuals affected with COL4A1-related conditions. An algorithm developed to predict the effect of missense changes on protein structure and function (PolyPhen-2) suggests that this variant is likely to be disruptive. In summary, the available evidence is currently insufficient to determine the role of this variant in disease. Therefore, it has been classified as a Variant of Uncertain Significance.

NM_001845.6(COL4A1):c.3056C>G (p.Pro1019Arg)

Gene: COL4A1 (collagen type IV alpha 1 chain; minus strand). Cytogenetic location: 13q34.
Variant type: single nucleotide variant.
Coding change: c.3056C>G on transcript NM_001845.6 (MANE Select); coding-DNA position 3056, C replaced by G.
Protein change: p.Pro1019Arg; replaces proline 1019 with arginine.
Molecular consequence: missense variant.
Genome position (GRCh38, 1-based): chr13:110,176,426, G>C on the plus strand (C>G on the coding strand, the complement: COL4A1 is on the minus strand). VCF-style: chr13-110176426-G-C. GRCh37 (hg19) VCF-style: chr13-110828773-G-C.
Other names: short protein forms P1019R.
Identifiers: ClinVar variation 2854659 (VCV002854659.3), dbSNP rs2501775513, ClinGen allele CA388665710.